The following is an entry in ClinVar:

ClinVar aggregate classification (germline): Uncertain significance. Review status: criteria provided, multiple submitters, no conflicts (2 of 4 stars). 2 submissions from 2 submitters: Uncertain significance (2). Last evaluated 2025-02-04.

Conditions:
Hereditary cancer-predisposing syndrome. Also called: Tumor predisposition; Hereditary neoplastic syndrome; Neoplastic Syndromes, Hereditary; Hereditary Cancer Syndrome. Identifiers: Orphanet 140162, MedGen C0027672, MeSH D009386, MONDO:0015356.
EGFR-related lung cancer (EGFR). Identifiers: MedGen CN130014.

Allele frequency attached by ClinVar (database versions not stated): gnomAD exomes below 0.00001; ExAC 0.00001.
gnomAD v4.1: 4 of 1,613,944 alleles (0.00025%); highest among the groups gnomAD compares: Non-Finnish European, 0.00025%; no homozygotes.

Submissions (2):

Ambry Genetics
Classification: Uncertain significance for Hereditary cancer-predisposing syndrome. Last evaluated: 2025-02-04. Review status: criteria provided, single submitter. Criteria: Ambry Variant Classification Scheme 2023. Collection method: clinical testing. Allele origin: germline.
Comment: The p.S220P variant (also known as c.658T>C), located in coding exon 6 of the EGFR gene, results from a T to C substitution at nucleotide position 658. The serine at codon 220 is replaced by proline, an amino acid with similar properties. This amino acid position is well conserved in available vertebrate species. In addition, the in silico prediction for this alteration is inconclusive. Based on the available evidence, the clinical significance of this variant remains unclear.

Labcorp Genetics (formerly Invitae), Labcorp
Classification: Uncertain significance for EGFR-related lung cancer. Last evaluated: 2025-01-26. Review status: criteria provided, single submitter. Criteria: Invitae Variant Classification Sherloc (09022015). Collection method: clinical testing. Allele origin: germline.
Comment: This sequence change replaces serine, which is neutral and polar, with proline, which is neutral and non-polar, at codon 220 of the EGFR protein (p.Ser220Pro). This variant is present in population databases (rs761098433, gnomAD 0.0009%). This variant has not been reported in the literature in individuals affected with EGFR-related conditions. ClinVar contains an entry for this variant (Variation ID: 1011022). Invitae Evidence Modeling of protein sequence and biophysical properties (such as structural, functional, and spatial information, amino acid conservation, physicochemical variation, residue mobility, and thermodynamic stability) indicates that this missense variant is not expected to disrupt EGFR protein function with a negative predictive value of 80%. In summary, the available evidence is currently insufficient to determine the role of this variant in disease. Therefore, it has been classified as a Variant of Uncertain Significance.

NM_005228.5(EGFR):c.658T>C (p.Ser220Pro)

Gene: EGFR (epidermal growth factor receptor; plus strand). Cytogenetic location: 7p11.2.
Variant type: single nucleotide variant.
Coding change: c.658T>C on transcript NM_005228.5 (MANE Select); coding-DNA position 658, T replaced by C.
Protein change: p.Ser220Pro; replaces serine 220 with proline.
Molecular consequence: missense variant. On other transcripts: intron variant (1).
Genome position (GRCh38, 1-based): chr7:55,152,575, T>C. VCF-style: chr7-55152575-T-C. GRCh37 (hg19) VCF-style: chr7-55220268-T-C.
Other names: c.523T>C, p.Ser175Pro (NM_001346897.2, NM_001346899.2); c.658T>C, p.Ser220Pro (NM_001346898.2, NM_201282.2, NM_201283.2 and 1 more transcripts); c.499T>C, p.Ser167Pro (NM_001346900.2); c.89-3255T>C (NM_001346941.2); c.658T>C (NM_005228.3); short protein forms S167P, S175P, S220P.
Identifiers: ClinVar variation 1011022 (VCV001011022.10), dbSNP rs761098433, ClinGen allele CA4265311.